The following is an entry in ClinVar:

ClinVar aggregate classification (germline): Conflicting classifications of pathogenicity. Review status: criteria provided, conflicting classifications (1 of 4 stars). 2 submissions from 2 submitters: Uncertain significance (1); Likely benign (1). Last evaluated 2026-04-16.

gnomAD v4.1: 12 of 1,613,616 alleles (0.00074%); highest among the groups gnomAD compares: Non-Finnish European, 0.001%; no homozygotes.

Submissions (2):

Dasa
Classification: Uncertain significance. Last evaluated: 2026-04-16. Review status: criteria provided, single submitter. Criteria: DASA Assertion Criteria. Collection method: clinical testing. Allele origin: germline.
Comment: NM_017757.3(ZNF407):c.3385A>G (p.Ile1129Val) is a missense variant that results in the substitution of isoleucine with valine. This variant is rare in population databases. Computational prediction algorithms are consistent with a benign effect. The currently available literature and clinical evidence are not sufficient to establish a definitive association between this variant and the reported condition. Therefore, this variant is classified as a variant of uncertain significance.

Ambry Genetics
Classification: Likely benign. Last evaluated: 2025-10-22. Review status: criteria provided, single submitter. Criteria: Ambry Variant Classification Scheme 2023. Collection method: clinical testing. Allele origin: germline.

NM_017757.3(ZNF407):c.3385A>G (p.Ile1129Val)

Genes: ZNF407 (zinc finger protein 407; plus strand), LOC126862798 (MED14-independent group 3 enhancer GRCh37_chr18:72345358-72346557; plus strand). Cytogenetic location: 18q22.3.
Variant type: single nucleotide variant.
Coding change: c.3385A>G on transcript NM_017757.3 (MANE Select); coding-DNA position 3385, A replaced by G.
Protein change: p.Ile1129Val; replaces isoleucine 1129 with valine.
Molecular consequence: missense variant.
Genome position (GRCh38, 1-based): chr18:74,634,404, A>G. VCF-style: chr18-74634404-A-G. GRCh37 (hg19) VCF-style: chr18-72346360-A-G.
Other names: c.3385A>G, p.Ile1129Val (NM_001146189.1, NM_001146190.1, NM_001384475.1); short protein forms I1129V.
Identifiers: ClinVar variation 4609654 (VCV004609654.3).
Genomic context (GRCh38, chr18:74,634,404, plus strand): 5'-CAAATAATTTCAGGTCAACCATCTGATACTCTTAAATCTAGAAATGCTGCAGATTGCTCT[A>G]TTTTAAATGAGAATACTAATTTAGATATGTCTAAAGTGCTCTGCGCTGCTGACTCTGTAG-3'
Protein context (NP_060227.2, residues 1119-1139): LKSRNAADCS[Ile1129Val]LNENTNLDMS